The following is an entry in ClinVar:

ClinVar aggregate classification (germline): Likely benign (1 of 4 stars; one submission).

Allele frequency attached by ClinVar (database versions not stated): ESP Exome Variant Server 0.00017; TOPMed 0.00025; 1000 Genomes Project 30x 0.00094; 1000 Genomes Project 0.00100; gnomAD exomes 0.00166; ExAC 0.00272; gnomAD 0.00311.
gnomAD v4.1: 2,901 of 1,613,964 alleles (0.18%); highest among the groups gnomAD compares: Non-Finnish European, 0.04%; 52 homozygotes.

Submission:

CeGaT Center for Human Genetics Tuebingen
Classification: Likely benign. Last evaluated: 2025-12-01. Review status: criteria provided, single submitter. Criteria: CeGaT Center For Human Genetics Tuebingen Variant Classification Criteria Version 2. Collection method: clinical testing. Allele origin: germline. Affected: yes. Observed: 6 variant alleles.
Comment: TNRC6B: BS1

NM_001162501.2(TNRC6B):c.1495G>C (p.Gly499Arg)

Gene: TNRC6B (trinucleotide repeat containing adaptor 6B; plus strand). Cytogenetic location: 22q13.1.
Variant type: single nucleotide variant.
Coding change: c.1495G>C on transcript NM_001162501.2 (MANE Select); coding-DNA position 1495, G replaced by C.
Protein change: p.Gly499Arg; replaces glycine 499 with arginine.
Molecular consequence: missense variant. On other transcripts: intron variant (1).
Genome position (GRCh38, 1-based): chr22:40,265,725, G>C. VCF-style: chr22-40265725-G-C. GRCh37 (hg19) VCF-style: chr22-40661729-G-C.
Other names: c.1495G>C, p.Gly499Arg (NM_015088.3); c.565+3552G>C (NM_001024843.2); short protein forms G499R.
Identifiers: ClinVar variation 2653174 (VCV002653174.24), dbSNP rs146306455, ClinGen allele CA10246710.